The following is an entry in ClinVar:

ClinVar aggregate classification (germline): Likely benign. Review status: criteria provided, single submitter (1 of 4 stars). 2 submissions from 2 submitters: Likely benign (1). 1 of the submissions does not count toward it. Last evaluated 2025-02-13.

Conditions:
ANKRD11-related disorder. Also called: ANKRD11-related condition.
KBG syndrome (KBGS). Also called: ANKRD11-Related KBG Syndrome. Identifiers: Orphanet 2332, MedGen C0220687, MONDO:0007846, OMIM 148050.

Allele frequency attached by ClinVar (database versions not stated): TOPMed below 0.00001; gnomAD exomes 0.00001.
gnomAD v4.1: 7 of 1,613,968 alleles (0.00043%); highest among the groups gnomAD compares: Non-Finnish European, 0.00059%; no homozygotes.

Submissions (2):

Labcorp Genetics (formerly Invitae), Labcorp
Classification: Likely benign for KBG syndrome. Last evaluated: 2025-02-13. Review status: criteria provided, single submitter. Criteria: Invitae Variant Classification Sherloc (09022015). Collection method: clinical testing. Allele origin: germline.

PreventionGenetics, part of Exact Sciences
Classification: Likely benign for ANKRD11-related condition. Last evaluated: 2020-08-04. Review status: no assertion criteria provided. Collection method: clinical testing. Allele origin: germline. Not counted in ClinVar's aggregate classification.
Comment: This variant is classified as likely benign based on ACMG/AMP sequence variant interpretation guidelines (Richards et al. 2015 PMID: 25741868, with internal and published modifications).

NM_013275.6(ANKRD11):c.4383G>A (p.Lys1461=)

Gene: ANKRD11 (ankyrin repeat domain 11; minus strand). Cytogenetic location: 16q24.3.
Variant type: single nucleotide variant.
Coding change: c.4383G>A on transcript NM_013275.6 (MANE Select); coding-DNA position 4383, G replaced by A.
Protein change: p.Lys1461=; no amino-acid change (lysine 1461 retained).
Molecular consequence: synonymous variant.
Genome position (GRCh38, 1-based): chr16:89,282,159, C>T on the plus strand (G>A on the coding strand, the complement: ANKRD11 is on the minus strand). VCF-style: chr16-89282159-C-T. GRCh37 (hg19) VCF-style: chr16-89348567-C-T.
Other names: c.4383G>A, p.Lys1461= (NM_001256182.2, NM_001256183.2).
Identifiers: ClinVar variation 3036390 (VCV003036390.3), dbSNP rs2034308142, ClinGen allele CA497374247.